The following is an entry in ClinVar:

ClinVar aggregate classification (germline): Benign/Likely benign. Review status: criteria provided, multiple submitters, no conflicts (2 of 4 stars). 4 submissions from 4 submitters: Benign (1); Likely benign (3). Last evaluated 2025-09-08.

Conditions:
RYR1-related disorder. Also called: RYR1-related disorders; RYR1-related condition. Identifiers: MedGen CN239331.
Malignant hyperthermia, susceptibility to, 1 (MHS1). Also called: Anesthesia related hyperthermia; Malignant hyperpyrexia; Fulminating hyperpyrexia; Pharmacogenic myopathy; RYR1-Related Malignant Hyperthermia Susceptibility; Malignant hyperthermia suceptibility 1. Identifiers: Orphanet 423, MedGen C2930980, MONDO:0007783, OMIM 145600.

Allele frequency attached by ClinVar (database versions not stated): ESP Exome Variant Server 0.00008; gnomAD 0.00017 and 0.00019; gnomAD exomes 0.00017 and 0.00029; TOPMed 0.00017; ExAC 0.00032; 1000 Genomes Project 0.00040; 1000 Genomes Project 30x 0.00047.
gnomAD v4.1: 285 of 1,609,788 alleles (0.018%); highest among the groups gnomAD compares: East Asian, 0.16%; no homozygotes.

Submissions (4):

Labcorp Genetics (formerly Invitae), Labcorp
Classification: Benign for RYR1-related disorder. Last evaluated: 2025-09-08. Review status: criteria provided, single submitter. Criteria: Invitae Variant Classification Sherloc (09022015). Collection method: clinical testing. Allele origin: germline.

Blueprint Genetics
Classification: Likely benign. Last evaluated: 2024-05-28. Review status: criteria provided, single submitter. Criteria: ACMG Guidelines, 2015. Collection method: clinical testing. Allele origin: germline.

CeGaT Center for Human Genetics Tuebingen
Classification: Likely benign. Last evaluated: 2024-01-01. Review status: criteria provided, single submitter. Criteria: CeGaT Center For Human Genetics Tuebingen Variant Classification Criteria Version 2. Collection method: clinical testing. Allele origin: germline. Affected: yes. Observed: 1 variant allele.
Comment: RYR1: BP4

Color Diagnostics, LLC DBA Color Health
Classification: Likely benign for Malignant hyperthermia, susceptibility to, 1. Last evaluated: 2022-11-06. Review status: criteria provided, single submitter. Criteria: ACMG Guidelines, 2015. Collection method: clinical testing. Allele origin: germline.

NM_000540.3(RYR1):c.7836-7C>T

Gene: RYR1 (ryanodine receptor 1; plus strand). Cytogenetic location: 19q13.2.
Variant type: single nucleotide variant.
Coding change: c.7836-7C>T on transcript NM_000540.3 (MANE Select); 7 bases into the intron before coding-DNA position 7836, C replaced by T.
Molecular consequence: intron variant.
Genome position (GRCh38, 1-based): chr19:38,502,873, C>T. VCF-style: chr19-38502873-C-T. GRCh37 (hg19) VCF-style: chr19-38993513-C-T.
Other names: c.7836-7C>T (NM_001042723.2).
Identifiers: ClinVar variation 700227 (VCV000700227.35), dbSNP rs370713261, ClinGen allele CA070780.